The following is an entry in ClinVar:

NM_006180.6(NTRK2):c.420G>C (p.Leu140Phe)

Gene: NTRK2 (neurotrophic receptor tyrosine kinase 2; plus strand). Cytogenetic location: 9q21.33.
Variant type: single nucleotide variant.
Coding change: c.420G>C on transcript NM_006180.6 (MANE Select); coding-DNA position 420, G replaced by C.
Protein change: p.Leu140Phe; replaces leucine 140 with phenylalanine.
Molecular consequence: missense variant. On other transcripts: 5 prime UTR variant (5).
Genome position (GRCh38, 1-based): chr9:84,707,904, G>C. VCF-style: chr9-84707904-G-C. GRCh37 (hg19) VCF-style: chr9-87322819-G-C.
Other names: c.-49G>C (NM_001369536.1, NM_001369550.1, NM_001369551.1 and 2 more transcripts); c.420G>C, p.Leu140Phe (NM_001369537.1, NM_001369538.1, NM_001369539.1 and 18 more transcripts); c.420G>C (NM_006180.4); short protein forms L140F.
Identifiers: ClinVar variation 1093391 (VCV001093391.25), dbSNP rs150692457, ClinGen allele CA5105492.

ClinVar aggregate classification (germline): Likely benign. Review status: criteria provided, multiple submitters, no conflicts (2 of 4 stars). 4 submissions from 4 submitters: Likely benign (3). 1 of the submissions does not count toward it. Last evaluated 2026-01-09.

Conditions:
NTRK2-related disorder. Also called: NTRK2-related condition.

Allele frequency attached by ClinVar (database versions not stated): 1000 Genomes Project 0.00060; 1000 Genomes Project 30x 0.00078; ESP Exome Variant Server 0.00185.
gnomAD v4.1: 374 of 1,612,414 alleles (0.023%); highest among the groups gnomAD compares: African/African-American, 0.43%; 1 homozygote.

Submissions (4):

Labcorp Genetics (formerly Invitae), Labcorp
Classification: Likely benign. Last evaluated: 2026-01-09. Review status: criteria provided, single submitter. Criteria: Invitae Variant Classification Sherloc (09022015). Collection method: clinical testing. Allele origin: germline.

CeGaT Center for Human Genetics Tuebingen
Classification: Likely benign. Last evaluated: 2025-01-01. Review status: criteria provided, single submitter. Criteria: CeGaT Center For Human Genetics Tuebingen Variant Classification Criteria Version 2. Collection method: clinical testing. Allele origin: germline. Affected: yes. Observed: 1 variant allele.
Comment: NTRK2: BS1

Blueprint Genetics
Classification: Likely benign. Last evaluated: 2024-11-06. Review status: criteria provided, single submitter. Criteria: ACMG Guidelines, 2015. Collection method: clinical testing. Allele origin: germline.

PreventionGenetics, part of Exact Sciences
Classification: Benign for NTRK2-related condition. Last evaluated: 2019-09-17. Review status: no assertion criteria provided. Collection method: clinical testing. Allele origin: germline. Not counted in ClinVar's aggregate classification.
Comment: This variant is classified as benign based on ACMG/AMP sequence variant interpretation guidelines (Richards et al. 2015 PMID: 25741868, with internal and published modifications).